The following is an entry in ClinVar:

ClinVar aggregate classification (germline): Likely benign (1 of 4 stars; one submission).

Submission:

CeGaT Center for Human Genetics Tuebingen
Classification: Likely benign. Last evaluated: 2023-01-01. Review status: criteria provided, single submitter. Criteria: CeGaT Center For Human Genetics Tuebingen Variant Classification Criteria Version 2. Collection method: clinical testing. Allele origin: germline. Affected: yes. Observed: 1 variant allele.
Comment: CNGA2: PM2:Supporting, BP4, BP7

NM_005140.3(CNGA2):c.1764A>G (p.Glu588=)

Gene: CNGA2 (cyclic nucleotide gated channel subunit alpha 2; plus strand). Cytogenetic location: Xq28.
Variant type: single nucleotide variant.
Coding change: c.1764A>G on transcript NM_005140.3 (MANE Select); coding-DNA position 1764, A replaced by G.
Protein change: p.Glu588=; no amino-acid change (glutamic acid 588 retained).
Molecular consequence: synonymous variant.
Genome position (GRCh38, 1-based): chrX:151,744,267, A>G. VCF-style: chrX-151744267-A-G. GRCh37 (hg19) VCF-style: chrX-150912739-A-G.
Identifiers: ClinVar variation 2661654 (VCV002661654.24), dbSNP rs2520777538, ClinGen allele CA519181541.